The following is an entry in ClinVar:

ClinVar aggregate classification (germline): Likely benign. Review status: criteria provided, multiple submitters, no conflicts (2 of 4 stars). 6 submissions from 6 submitters: Likely benign (6). Last evaluated 2026-07-22.

Conditions:
Cardiovascular phenotype. Identifiers: MedGen CN230736.
Ehlers-Danlos syndrome (EDS). Identifiers: Orphanet 98249, MedGen C0013720, MONDO:0020066.
ZNF469-related disorder. Also called: ZNF469-related condition.

Allele frequency attached by ClinVar (database versions not stated): TOPMed 0.00004; 1000 Genomes Project 30x 0.00016; 1000 Genomes Project 0.00020; ExAC 0.00058.
gnomAD v4.1: 99 of 1,550,056 alleles (0.0064%); highest among the groups gnomAD compares: Middle Eastern, 0.1%; no homozygotes.

Submissions (6):

PreventionGenetics, part of Exact Sciences
Classification: Likely benign for ZNF469-related condition. Last evaluated: 2026-07-22. Review status: criteria provided, single submitter. Criteria: ACMG Guidelines, 2015. Collection method: clinical testing. Allele origin: germline.
Comment: This variant is classified as likely benign based on ACMG/AMP sequence variant interpretation guidelines (Richards et al. 2015 PMID: 25741868, with internal and published modifications).

Labcorp Genetics (formerly Invitae), Labcorp
Classification: Likely benign. Last evaluated: 2026-01-18. Review status: criteria provided, single submitter. Criteria: Invitae Variant Classification Sherloc (09022015). Collection method: clinical testing. Allele origin: germline.

Genome Diagnostics Laboratory, The Hospital for Sick Children
Classification: Likely benign for Ehlers-Danlos syndrome. Last evaluated: 2020-10-09. Review status: criteria provided, single submitter. Criteria: ACMG Guidelines, 2015. Collection method: clinical testing. Allele origin: germline.

CeGaT Center for Human Genetics Tuebingen
Classification: Likely benign. Last evaluated: 2020-07-01. Review status: criteria provided, single submitter. Criteria: CeGaT Center For Human Genetics Tuebingen Variant Classification Criteria Version 2. Collection method: clinical testing. Allele origin: germline. Affected: yes. Observed: 1 variant allele.

GeneDx
Classification: Likely benign. Last evaluated: 2019-05-28. Review status: criteria provided, single submitter. Criteria: GeneDx Variant Classification Process June 2021. Collection method: clinical testing. Allele origin: germline. Affected: yes.

Ambry Genetics
Classification: Likely benign for Cardiovascular phenotype. Last evaluated: 2019-03-22. Review status: criteria provided, single submitter. Criteria: Ambry Variant Classification Scheme 2023. Collection method: clinical testing. Allele origin: germline.

NM_001367624.2(ZNF469):c.9120G>A (p.Pro3040=)

Gene: ZNF469 (zinc finger protein 469; plus strand). Cytogenetic location: 16q24.2.
Variant type: single nucleotide variant.
Coding change: c.9120G>A on transcript NM_001367624.2 (MANE Select); coding-DNA position 9120, G replaced by A.
Protein change: p.Pro3040=; no amino-acid change (proline 3040 retained).
Molecular consequence: synonymous variant.
Genome position (GRCh38, 1-based): chr16:88,436,590, G>A. VCF-style: chr16-88436590-G-A. GRCh37 (hg19) VCF-style: chr16-88502998-G-A.
Other names: NM_001127464.1:c.9036G>A; NM_001127464.2:c.9036G>A.
Identifiers: ClinVar variation 512009 (VCV000512009.51), dbSNP rs534910156, ClinGen allele CA8225409.